The following is an entry in ClinVar:

ClinVar aggregate classification (germline): Uncertain significance (1 of 4 stars; one submission).

Conditions:
Wilms tumor 1 (WT1). Also called: Wilms tumor, somatic. Identifiers: Orphanet 654, MedGen CN033288, MONDO:0008679, OMIM 194070.

Submission:

Labcorp Genetics (formerly Invitae), Labcorp
Classification: Uncertain significance for Wilms tumor 1. Last evaluated: 2021-08-22. Review status: criteria provided, single submitter. Criteria: Invitae Variant Classification Sherloc (09022015). Collection method: clinical testing. Allele origin: germline.
Comment: This sequence change replaces isoleucine with serine at codon 409 of the GPC3 protein (p.Ile409Ser). The isoleucine residue is moderately conserved and there is a large physicochemical difference between isoleucine and serine. This variant is not present in population databases (ExAC no frequency). This variant has not been reported in the literature in individuals affected with GPC3-related conditions. Algorithms developed to predict the effect of missense changes on protein structure and function are either unavailable or do not agree on the potential impact of this missense change (SIFT: "Deleterious"; PolyPhen-2: "Possibly Damaging"; Align-GVGD: "Class C0"). Algorithms developed to predict the effect of sequence changes on RNA splicing suggest that this variant may create or strengthen a splice site. In summary, the available evidence is currently insufficient to determine the role of this variant in disease. Therefore, it has been classified as a Variant of Uncertain Significance.

NM_004484.4(GPC3):c.1226T>G (p.Ile409Ser)

Gene: GPC3 (glypican 3; minus strand). Cytogenetic location: Xq26.2.
Variant type: single nucleotide variant.
Coding change: c.1226T>G on transcript NM_004484.4 (MANE Select); coding-DNA position 1226, T replaced by G.
Protein change: p.Ile409Ser; replaces isoleucine 409 with serine.
Molecular consequence: missense variant.
Genome position (GRCh38, 1-based): chrX:133,692,435, A>C on the plus strand (T>G on the coding strand, the complement: GPC3 is on the minus strand). VCF-style: chrX-133692435-A-C. GRCh37 (hg19) VCF-style: chrX-132826463-A-C.
Other names: c.1295T>G, p.Ile432Ser (NM_001164617.2); c.1178T>G, p.Ile393Ser (NM_001164618.2); c.1064T>G, p.Ile355Ser (NM_001164619.2); short protein forms I355S, I393S, I432S, I409S.
Identifiers: ClinVar variation 1376791 (VCV001376791.6), dbSNP rs2071073649, ClinGen allele CA414705568.